The following is an entry in ClinVar:

NM_001300905.2(BAZ2A):c.1725C>T (p.Thr575=)

Gene: BAZ2A (bromodomain adjacent to zinc finger domain 2A; minus strand). Cytogenetic location: 12q13.3.
Variant type: single nucleotide variant.
Coding change: c.1725C>T on transcript NM_001300905.2 (MANE Select); coding-DNA position 1725, C replaced by T.
Protein change: p.Thr575=; no amino-acid change (threonine 575 retained).
Molecular consequence: synonymous variant.
Genome position (GRCh38, 1-based): chr12:56,610,463, G>A on the plus strand (C>T on the coding strand, the complement: BAZ2A is on the minus strand). VCF-style: chr12-56610463-G-A. GRCh37 (hg19) VCF-style: chr12-57004247-G-A.
Other names: c.1635C>T, p.Thr545= (NM_001351156.2); c.1731C>T, p.Thr577= (NM_013449.4).
Identifiers: ClinVar variation 2643100 (VCV002643100.24), dbSNP rs2547639229, ClinGen allele CA480222676.

ClinVar aggregate classification (germline): Likely benign (1 of 4 stars; one submission).

Submission:

CeGaT Center for Human Genetics Tuebingen
Classification: Likely benign. Last evaluated: 2022-11-01. Review status: criteria provided, single submitter. Criteria: CeGaT Center For Human Genetics Tuebingen Variant Classification Criteria Version 2. Collection method: clinical testing. Allele origin: germline. Affected: yes. Observed: 1 variant allele.
Comment: BAZ2A: PM2:Supporting, BP4, BP7